The following is an entry in ClinVar:

NM_002894.3(RBBP8):c.2336C>T (p.Pro779Leu)

Gene: RBBP8 (RB binding protein 8, endonuclease; plus strand). Cytogenetic location: 18q11.2.
Variant type: single nucleotide variant.
Coding change: c.2336C>T on transcript NM_002894.3 (MANE Select); coding-DNA position 2336, C replaced by T.
Protein change: p.Pro779Leu; replaces proline 779 with leucine.
Molecular consequence: missense variant.
Genome position (GRCh38, 1-based): chr18:23,006,411, C>T. VCF-style: chr18-23006411-C-T. GRCh37 (hg19) VCF-style: chr18-20586374-C-T.
Other names: c.2336C>T, p.Pro779Leu (NM_203291.2, NM_203292.2); short protein forms P779L.
Identifiers: ClinVar variation 546415 (VCV000546415.3), dbSNP rs144863982, ClinGen allele CA8910318.
Genomic context (GRCh38, chr18:23,006,411, plus strand): 5'-TTTTATTTATAGCTCATGGTGATAAACAAGACAAAGTCAAGCAGAAAGCGTTTGTGGAGC[C>T]GTATTTTAAAGGTGATGAAAGGTAAGTTGGTTTTTATTTATACCAGCAATGTGACTGGAA-3'
Protein context (NP_002885.1, residues 769-789): DKVKQKAFVE[Pro779Leu]YFKGDERETS

ClinVar aggregate classification (germline): Uncertain significance (1 of 4 stars; one submission).

Allele frequency attached by ClinVar (database versions not stated): gnomAD exomes 0.00003 and 0.00004; ExAC 0.00007; gnomAD 0.00009; TOPMed 0.00010; ESP Exome Variant Server 0.00015; 1000 Genomes Project 30x 0.00016; 1000 Genomes Project 0.00020.
gnomAD v4.1: 60 of 1,613,190 alleles (0.0037%); highest among the groups gnomAD compares: African/African-American, 0.031%; no homozygotes.

Submission:

GeneDx
Classification: Uncertain significance. Last evaluated: 2020-07-23. Review status: criteria provided, single submitter. Criteria: GeneDx Variant Classification Process June 2021. Collection method: clinical testing. Allele origin: germline. Affected: yes.
Comment: In silico analysis supports that this missense variant has a deleterious effect on protein structure/function; Has not been previously published as pathogenic or benign to our knowledge